The following is an entry in ClinVar:

NM_000038.6(APC):c.6493C>G (p.Pro2165Ala)

Gene: APC (APC regulator of Wnt signaling pathway; plus strand). Cytogenetic location: 5q22.2.
Variant type: single nucleotide variant.
Coding change: c.6493C>G on transcript NM_000038.6 (MANE Select); coding-DNA position 6493, C replaced by G.
Protein change: p.Pro2165Ala; replaces proline 2165 with alanine.
Molecular consequence: missense variant.
Genome position (GRCh38, 1-based): chr5:112,842,087, C>G. VCF-style: chr5-112842087-C-G. GRCh37 (hg19) VCF-style: chr5-112177784-C-G.
Other names: c.6493C>G, p.Pro2165Ala (NM_001127510.3, NM_001354895.2); c.6439C>G, p.Pro2147Ala (NM_001127511.3); c.6547C>G, p.Pro2183Ala (NM_001354896.2); c.6523C>G, p.Pro2175Ala (NM_001354897.2); c.6418C>G, p.Pro2140Ala (NM_001354898.2); c.6409C>G, p.Pro2137Ala (NM_001354899.2); c.6370C>G, p.Pro2124Ala (NM_001354900.2); c.6316C>G, p.Pro2106Ala (NM_001354901.2); and 5 more; short protein forms P2064A, P2137A, P2175A, P2005A, P2039A, P2106A, P2124A, P2183A.
Identifiers: ClinVar variation 968192 (VCV000968192.11), dbSNP rs775501375, ClinGen allele CA16035542.

ClinVar aggregate classification (germline): Uncertain significance (1 of 4 stars; one submission).

Conditions:
Familial adenomatous polyposis 1 (FAP1). Also called: POLYPOSIS, ADENOMATOUS INTESTINAL; FAMILIAL ADENOMATOUS POLYPOSIS 1, ATTENUATED. Identifiers: MedGen C2713442, MONDO:0021056, OMIM 175100. Disease mechanism: loss of function.

Submission:

Labcorp Genetics (formerly Invitae), Labcorp
Classification: Uncertain significance for Familial adenomatous polyposis 1. Last evaluated: 2024-07-30. Review status: criteria provided, single submitter. Criteria: Invitae Variant Classification Sherloc (09022015). Collection method: clinical testing. Allele origin: germline.
Comment: This sequence change replaces proline, which is neutral and non-polar, with alanine, which is neutral and non-polar, at codon 2165 of the APC protein (p.Pro2165Ala). This variant is not present in population databases (gnomAD no frequency). This variant has not been reported in the literature in individuals affected with APC-related conditions. ClinVar contains an entry for this variant (Variation ID: 968192). Advanced modeling of protein sequence and biophysical properties (such as structural, functional, and spatial information, amino acid conservation, physicochemical variation, residue mobility, and thermodynamic stability) performed at Invitae indicates that this missense variant is not expected to disrupt APC protein function with a negative predictive value of 95%. In summary, the available evidence is currently insufficient to determine the role of this variant in disease. Therefore, it has been classified as a Variant of Uncertain Significance.